The following is an entry in ClinVar:

NM_133636.5(HELQ):c.1470G>A (p.Thr490=)

Gene: HELQ (helicase, POLQ like; minus strand). Cytogenetic location: 4q21.23.
Variant type: single nucleotide variant.
Coding change: c.1470G>A on transcript NM_133636.5 (MANE Select); coding-DNA position 1470, G replaced by A.
Protein change: p.Thr490=; no amino-acid change (threonine 490 retained).
Molecular consequence: synonymous variant. On other transcripts: 5 prime UTR variant (1), intron variant (1).
Genome position (GRCh38, 1-based): chr4:83,443,610, C>T on the plus strand (G>A on the coding strand, the complement: HELQ is on the minus strand). VCF-style: chr4-83443610-C-T. GRCh37 (hg19) VCF-style: chr4-84364763-C-T.
Other names: c.1269G>A, p.Thr423= (NM_001297755.2); c.-35G>A (NM_001297756.2); c.-69-2207G>A (NM_001297757.2).
Identifiers: ClinVar variation 3034718 (VCV003034718.2), dbSNP rs181780148, ClinGen allele CA2989738.

ClinVar aggregate classification (germline): Likely benign (0 of 4 stars; one submission).

Conditions:
HELQ-related disorder. Also called: HELQ-related condition.

Allele frequency attached by ClinVar (database versions not stated): gnomAD 0.00011; TOPMed 0.00012; ExAC 0.00021; 1000 Genomes Project 0.00040; 1000 Genomes Project 30x 0.00047.
gnomAD v4.1: 120 of 1,479,634 alleles (0.0081%); highest among the groups gnomAD compares: East Asian, 0.16%; no homozygotes.

Submission:

PreventionGenetics, part of Exact Sciences
Classification: Likely benign for HELQ-related condition. Last evaluated: 2019-03-27. Review status: no assertion criteria provided. Collection method: clinical testing. Allele origin: germline.
Comment: This variant is classified as likely benign based on ACMG/AMP sequence variant interpretation guidelines (Richards et al. 2015 PMID: 25741868, with internal and published modifications).